The following is an entry in ClinVar:

ClinVar aggregate classification (germline): Benign (1 of 4 stars; one submission).

Allele frequency attached by ClinVar (database versions not stated): 1000 Genomes Project 30x 0.49797; 1000 Genomes Project 0.50080; TOPMed 0.61373; gnomAD 0.61550 and 0.62302.
gnomAD v4.1: 93,841 of 152,006 alleles (62%); highest among the groups gnomAD compares: Non-Finnish European, 76%; 31,498 homozygotes.

Submission:

GeneDx
Classification: Benign. Last evaluated: 2018-06-18. Review status: criteria provided, single submitter. Criteria: GeneDx Variant Classification (06012015). Collection method: clinical testing. Allele origin: germline. Affected: yes.
Comment: This variant is considered likely benign or benign based on one or more of the following criteria: it is a conservative change, it occurs at a poorly conserved position in the protein, it is predicted to be benign by multiple in silico algorithms, and/or has population frequency not consistent with disease.

NM_001330260.2(SCN8A):c.4419+283C>T

Gene: SCN8A (sodium voltage-gated channel alpha subunit 8; plus strand). Cytogenetic location: 12q13.13.
Variant type: single nucleotide variant.
Coding change: c.4419+283C>T on transcript NM_001330260.2 (MANE Select); 283 bases into the intron after coding-DNA position 4419, C replaced by T.
Molecular consequence: intron variant.
Genome position (GRCh38, 1-based): chr12:51,789,701, C>T. VCF-style: chr12-51789701-C-T. GRCh37 (hg19) VCF-style: chr12-52183485-C-T.
Other names: c.4419+283C>T (NM_014191.4); c.4296+283C>T (NM_001177984.3, NM_001369788.1).
Identifiers: ClinVar variation 684272 (VCV000684272.1), dbSNP rs303816, ClinGen allele CA13750540.